The following is an entry in ClinVar:

NM_001379180.1(ESRRB):c.558A>G (p.Lys186=)

Gene: ESRRB (estrogen related receptor beta; plus strand). Cytogenetic location: 14q24.3.
Variant type: single nucleotide variant.
Coding change: c.558A>G on transcript NM_001379180.1 (MANE Select); coding-DNA position 558, A replaced by G.
Protein change: p.Lys186=; no amino-acid change (lysine 186 retained).
Molecular consequence: synonymous variant.
Genome position (GRCh38, 1-based): chr14:76,462,642, A>G. VCF-style: chr14-76462642-A-G. GRCh37 (hg19) VCF-style: chr14-76928985-A-G.
Other names: c.510A>G, p.Lys170= (NM_001411038.1); c.495A>G, p.Lys165= (NM_004452.4).
Identifiers: ClinVar variation 2575012 (VCV002575012.1), dbSNP rs2503830910, ClinGen allele CA487193594.
Genomic context (GRCh38, chr14:76,462,642, plus strand): 5'-CGAGATCACCAAACGGAGGCGCAAGTCCTGCCAGGCCTGCCGCTTCATGAAATGCCTCAA[A>G]GTGGGGATGCTGAAGGAAGGTAAGAGACCCCACCGAGTCGGGGTTCACTGTGAGGCTCTG-3'
Protein context (NP_001366109.1, residues 176-196): CQACRFMKCL[Lys186=]VGMLKEGVRL

ClinVar aggregate classification (germline): Uncertain significance (1 of 4 stars; one submission).

Submission:

GeneDx
Classification: Uncertain significance. Last evaluated: 2023-02-01. Review status: criteria provided, single submitter. Criteria: GeneDx Variant Classification Process June 2021. Collection method: clinical testing. Allele origin: germline. Affected: yes.
Comment: Not observed at significant frequency in large population cohorts (gnomAD); Has not been previously published as pathogenic or benign to our knowledge; In silico analysis suggests this variant may impact gene splicing. In the absence of RNA/functional studies, the actual effect of this sequence change is unknown.